The following is an entry in ClinVar:

ClinVar aggregate classification (germline): Uncertain significance (1 of 4 stars; one submission).

Conditions:
MHC class II deficiency. Also called: Bare lymphocyte syndrome 2; BLS, TYPE II. Identifiers: Orphanet 572, MedGen C5447452, MONDO:0008855.

Allele frequency attached by ClinVar (database versions not stated): gnomAD exomes below 0.00001.
gnomAD v4.1: 2 of 1,614,210 alleles (0.00012%); highest among the groups gnomAD compares: Non-Finnish European, 0.00017%; no homozygotes.

Submission:

Labcorp Genetics (formerly Invitae), Labcorp
Classification: Uncertain significance for MHC class II deficiency. Last evaluated: 2024-01-13. Review status: criteria provided, single submitter. Criteria: Invitae Variant Classification Sherloc (09022015). Collection method: clinical testing. Allele origin: germline.
Comment: This sequence change replaces serine, which is neutral and polar, with asparagine, which is neutral and polar, at codon 131 of the RFX5 protein (p.Ser131Asn). This variant is present in population databases (no rsID available, gnomAD 0.002%). This variant has not been reported in the literature in individuals affected with RFX5-related conditions. An algorithm developed to predict the effect of missense changes on protein structure and function (PolyPhen-2) suggests that this variant is likely to be disruptive. In summary, the available evidence is currently insufficient to determine the role of this variant in disease. Therefore, it has been classified as a Variant of Uncertain Significance.

NM_001025603.2(RFX5):c.392G>A (p.Ser131Asn)

Gene: RFX5 (regulatory factor X5; minus strand). Cytogenetic location: 1q21.3.
Variant type: single nucleotide variant.
Coding change: c.392G>A on transcript NM_001025603.2 (MANE Select); coding-DNA position 392, G replaced by A.
Protein change: p.Ser131Asn; replaces serine 131 with asparagine.
Molecular consequence: missense variant.
Genome position (GRCh38, 1-based): chr1:151,344,498, C>T on the plus strand (G>A on the coding strand, the complement: RFX5 is on the minus strand). VCF-style: chr1-151344498-C-T. GRCh37 (hg19) VCF-style: chr1-151316974-C-T.
Other names: c.392G>A, p.Ser131Asn (NM_000449.4, NM_001379412.1, NM_001379413.1 and 5 more transcripts); c.272G>A, p.Ser91Asn (NM_001379419.1, NM_001379420.1); short protein forms S91N, S131N.
Identifiers: ClinVar variation 2776688 (VCV002776688.3), dbSNP rs1303581241, ClinGen allele CA341941883.